The following is an entry in ClinVar:

NM_006904.7(PRKDC):c.1210G>C (p.Asp404His)

Gene: PRKDC (protein kinase, DNA-activated, catalytic subunit; minus strand). Cytogenetic location: 8q11.21.
Variant type: single nucleotide variant.
Coding change: c.1210G>C on transcript NM_006904.7 (MANE Select); coding-DNA position 1210, G replaced by C.
Protein change: p.Asp404His; replaces aspartic acid 404 with histidine.
Molecular consequence: missense variant.
Genome position (GRCh38, 1-based): chr8:47,936,421, C>G on the plus strand (G>C on the coding strand, the complement: PRKDC is on the minus strand). VCF-style: chr8-47936421-C-G. GRCh37 (hg19) VCF-style: chr8-48848981-C-G.
Other names: c.1210G>C, p.Asp404His (NM_001081640.2); short protein forms D404H.
Identifiers: ClinVar variation 2449818 (VCV002449818.2), dbSNP rs2551879729, ClinGen allele CA371166189.

ClinVar aggregate classification (germline): Uncertain significance (1 of 4 stars; one submission).

Submission:

Ambry Genetics
Classification: Uncertain significance. Last evaluated: 2022-11-19. Review status: criteria provided, single submitter. Criteria: Ambry Variant Classification Scheme 2023. Collection method: clinical testing. Allele origin: germline.
Comment: The p.D404H variant (also known as c.1210G>C), located in coding exon 12 of the PRKDC gene, results from a G to C substitution at nucleotide position 1210. The aspartic acid at codon 404 is replaced by histidine, an amino acid with similar properties. This amino acid position is conserved. In addition, this alteration is predicted to be tolerated by in silico analysis. Since supporting evidence is limited at this time, the clinical significance of this alteration remains unclear.